The following is an entry in ClinVar:

ClinVar aggregate classification (germline): Uncertain significance (1 of 4 stars; one submission).

Conditions:
Hereditary cancer-predisposing syndrome. Also called: Neoplastic Syndromes, Hereditary; Tumor predisposition; Hereditary neoplastic syndrome; Hereditary Cancer Syndrome. Identifiers: Orphanet 140162, MedGen C0027672, MeSH D009386, MONDO:0015356.

Submission:

Ambry Genetics
Classification: Uncertain significance for Hereditary cancer-predisposing syndrome. Last evaluated: 2022-11-28. Review status: criteria provided, single submitter. Criteria: Ambry Variant Classification Scheme 2023. Collection method: clinical testing. Allele origin: germline.
Comment: The p.E612Q variant (also known as c.1834G>C), located in coding exon 9 of the BRCA2 gene, results from a G to C substitution at nucleotide position 1834. The glutamic acid at codon 612 is replaced by glutamine, an amino acid with highly similar properties. This amino acid position is not well conserved in available vertebrate species. In addition, this alteration is predicted to be tolerated by in silico analysis. Since supporting evidence is limited at this time, the clinical significance of this alteration remains unclear.

NM_000059.4(BRCA2):c.1834G>C (p.Glu612Gln)

Gene: BRCA2 (BRCA2 DNA repair associated; plus strand). Cytogenetic location: 13q13.1.
Variant type: single nucleotide variant.
Coding change: c.1834G>C on transcript NM_000059.4 (MANE Select); coding-DNA position 1834, G replaced by C.
Protein change: p.Glu612Gln; replaces glutamic acid 612 with glutamine.
Molecular consequence: missense variant. On other transcripts: non-coding transcript variant (1), intron variant (1).
Genome position (GRCh38, 1-based): chr13:32,333,312, G>C. VCF-style: chr13-32333312-G-C. GRCh37 (hg19) VCF-style: chr13-32907449-G-C.
Other names: c.1834G>C, p.Glu612Gln (NM_001406719.1, NM_001406720.1, NM_001406721.1); c.424+2282G>C (NM_001406722.1); short protein forms E612Q.
Identifiers: ClinVar variation 2451488 (VCV002451488.2), dbSNP rs1135401938, ClinGen allele CA387766184.